The following is an entry in ClinVar:

NM_198129.4(LAMA3):c.6457G>A (p.Ala2153Thr)

Gene: LAMA3 (laminin subunit alpha 3; plus strand). Cytogenetic location: 18q11.2.
Variant type: single nucleotide variant.
Coding change: c.6457G>A on transcript NM_198129.4 (MANE Select); coding-DNA position 6457, G replaced by A.
Protein change: p.Ala2153Thr; replaces alanine 2153 with threonine.
Molecular consequence: missense variant.
Genome position (GRCh38, 1-based): chr18:23,904,071, G>A. VCF-style: chr18-23904071-G-A. GRCh37 (hg19) VCF-style: chr18-21484035-G-A.
Other names: c.1630G>A, p.Ala544Thr (NM_000227.6); c.6289G>A, p.Ala2097Thr (NM_001127717.4); c.1462G>A, p.Ala488Thr (NM_001127718.4); short protein forms A2097T, A488T, A544T, A2153T.
Identifiers: ClinVar variation 2754110 (VCV002754110.1), dbSNP rs1599051129, ClinGen allele CA402050243.
Genomic context (GRCh38, chr18:23,904,071, plus strand): 5'-GCTGGCAAAACATCCCTTGTGGAGGAGGCAGAAAAGCACGCGCGGTCCTTACAAGAGCTG[G>A]CAAAGCAGCTGGAAGAGTGAGTGCATGGCCCAGGAGACCAGAAGGGCACGTGGGCTGAGC-3'
Protein context (NP_937762.2, residues 2143-2163): EKHARSLQEL[Ala2153Thr]KQLEEIKRNA

ClinVar aggregate classification (germline): Uncertain significance (1 of 4 stars; one submission).

Submission:

Labcorp Genetics (formerly Invitae), Labcorp
Classification: Uncertain significance. Last evaluated: 2023-07-18. Review status: criteria provided, single submitter. Criteria: Invitae Variant Classification Sherloc (09022015). Collection method: clinical testing. Allele origin: germline.
Comment: In summary, the available evidence is currently insufficient to determine the role of this variant in disease. Therefore, it has been classified as a Variant of Uncertain Significance. An algorithm developed to predict the effect of missense changes on protein structure and function (PolyPhen-2) suggests that this variant is likely to be disruptive. This variant has not been reported in the literature in individuals affected with LAMA3-related conditions. This variant is not present in population databases (gnomAD no frequency). This sequence change replaces alanine, which is neutral and non-polar, with threonine, which is neutral and polar, at codon 544 of the LAMA3 protein (p.Ala544Thr).